The following is an entry in ClinVar:

NM_003482.4(KMT2D):c.5879G>T (p.Gly1960Val)

Gene: KMT2D (lysine methyltransferase 2D; minus strand). Cytogenetic location: 12q13.12.
Variant type: single nucleotide variant.
Coding change: c.5879G>T on transcript NM_003482.4 (MANE Select); coding-DNA position 5879, G replaced by T.
Protein change: p.Gly1960Val; replaces glycine 1960 with valine.
Molecular consequence: missense variant.
Genome position (GRCh38, 1-based): chr12:49,042,319, C>A on the plus strand (G>T on the coding strand, the complement: KMT2D is on the minus strand). VCF-style: chr12-49042319-C-A. GRCh37 (hg19) VCF-style: chr12-49436102-C-A.
Other names: short protein forms G1960V.
Identifiers: ClinVar variation 3621664 (VCV003621664.2).

ClinVar aggregate classification (germline): Uncertain significance (1 of 4 stars; one submission).

Conditions:
Kabuki syndrome. Also called: Kabuki make-up syndrome; NIIKAWA-KUROKI SYNDROME. Identifiers: Orphanet 2322, MedGen C0796004, MONDO:0016512.

gnomAD v4.1: 3 of 1,534,262 alleles (0.0002%); highest among the groups gnomAD compares: East Asian, 0.0024%; no homozygotes.

Submission:

Labcorp Genetics (formerly Invitae), Labcorp
Classification: Uncertain significance for Kabuki syndrome. Last evaluated: 2025-01-17. Review status: criteria provided, single submitter. Criteria: Invitae Variant Classification Sherloc (09022015). Collection method: clinical testing. Allele origin: germline.
Comment: This sequence change replaces glycine, which is neutral and non-polar, with valine, which is neutral and non-polar, at codon 1960 of the KMT2D protein (p.Gly1960Val). This variant is not present in population databases (gnomAD no frequency). This variant has not been reported in the literature in individuals affected with KMT2D-related conditions. Invitae Evidence Modeling of protein sequence and biophysical properties (such as structural, functional, and spatial information, amino acid conservation, physicochemical variation, residue mobility, and thermodynamic stability) indicates that this missense variant is not expected to disrupt KMT2D protein function with a negative predictive value of 95%. In summary, the available evidence is currently insufficient to determine the role of this variant in disease. Therefore, it has been classified as a Variant of Uncertain Significance.